The following is an entry in ClinVar:

ClinVar aggregate classification (germline): Uncertain significance (1 of 4 stars; one submission).

Conditions:
Catecholaminergic polymorphic ventricular tachycardia 1. Also called: VENTRICULAR TACHYCARDIA, STRESS-INDUCED POLYMORPHIC 1; RYR2-Related Catecholaminergic Polymorphic Ventricular Tachycardia; VENTRICULAR TACHYCARDIA, CATECHOLAMINERGIC POLYMORPHIC, 1, WITH OR WITHOUT ATRIAL DYSFUNCTION AND/OR DILATED CARDIOMYOPATHY. Identifiers: Orphanet 3286, MedGen C1631597, MONDO:0011484, OMIM 604772.

Submission:

Labcorp Genetics (formerly Invitae), Labcorp
Classification: Uncertain significance for Catecholaminergic polymorphic ventricular tachycardia 1. Last evaluated: 2025-10-25. Review status: criteria provided, single submitter. Criteria: Invitae Variant Classification Sherloc (09022015). Collection method: clinical testing. Allele origin: germline.
Comment: This sequence change replaces lysine, which is basic and polar, with methionine, which is neutral and non-polar, at codon 1025 of the RYR2 protein (p.Lys1025Met). This variant is not present in population databases (gnomAD no frequency). This variant has not been reported in the literature in individuals affected with RYR2-related conditions. Invitae Evidence Modeling of protein sequence and biophysical properties (such as structural, functional, and spatial information, amino acid conservation, physicochemical variation, residue mobility, and thermodynamic stability) has been performed for this missense variant. However, the output from this modeling did not meet the statistical confidence thresholds required to predict the impact of this variant on RYR2 protein function. In summary, the available evidence is currently insufficient to determine the role of this variant in disease. Therefore, it has been classified as a Variant of Uncertain Significance.

NM_001035.3(RYR2):c.3074A>T (p.Lys1025Met)

Gene: RYR2 (ryanodine receptor 2; plus strand). Cytogenetic location: 1q43.
Variant type: single nucleotide variant.
Coding change: c.3074A>T on transcript NM_001035.3 (MANE Select); coding-DNA position 3074, A replaced by T.
Protein change: p.Lys1025Met; replaces lysine 1025 with methionine.
Molecular consequence: missense variant.
Genome position (GRCh38, 1-based): chr1:237,550,551, A>T. VCF-style: chr1-237550551-A-T. GRCh37 (hg19) VCF-style: chr1-237713851-A-T.
Other names: short protein forms K1025M.
Identifiers: ClinVar variation 4800066 (VCV004800066.1).